The following is an entry in ClinVar:

NM_001365276.2(TNXB):c.5027G>A (p.Arg1676His)

Gene: TNXB (tenascin XB; minus strand). Cytogenetic location: 6p21.33.
Variant type: single nucleotide variant.
Coding change: c.5027G>A on transcript NM_001365276.2 (MANE Select); coding-DNA position 5027, G replaced by A.
Protein change: p.Arg1676His; replaces arginine 1676 with histidine.
Molecular consequence: missense variant.
Genome position (GRCh38, 1-based): chr6:32,070,378, C>T on the plus strand (G>A on the coding strand, the complement: TNXB is on the minus strand). VCF-style: chr6-32070378-C-T. GRCh37 (hg19) VCF-style: chr6-32038155-C-T.
Other names: c.5768G>A, p.Arg1923His (NM_001428335.1); c.5027G>A, p.Arg1676His (NM_019105.8); short protein forms R1676H, R1923H.
Identifiers: ClinVar variation 3809408 (VCV003809408.2).

ClinVar aggregate classification (germline): Uncertain significance. Review status: criteria provided, multiple submitters, no conflicts (2 of 4 stars). 2 submissions from 2 submitters: Uncertain significance (2). Last evaluated 2026-08-01.

Conditions:
Cardiovascular phenotype. Identifiers: MedGen CN230736.

gnomAD v4.1: 15 of 1,598,212 alleles (0.00094%); highest among the groups gnomAD compares: African/African-American, 0.0013%; no homozygotes.

Submissions (2):

CeGaT Center for Human Genetics Tuebingen
Classification: Uncertain significance. Last evaluated: 2026-08-01. Review status: criteria provided, single submitter. Criteria: CeGaT Center For Human Genetics Tuebingen Variant Classification Criteria Version 2. Collection method: clinical testing. Allele origin: germline. Affected: yes. Observed: 1 variant allele.
Comment: TNXB: PM2

Ambry Genetics
Classification: Uncertain significance for Cardiovascular phenotype. Last evaluated: 2025-02-07. Review status: criteria provided, single submitter. Criteria: Ambry Variant Classification Scheme 2023. Collection method: clinical testing. Allele origin: germline.